The following is an entry in ClinVar:

ClinVar aggregate classification (germline): Uncertain significance (1 of 4 stars; one submission).

Conditions:
Mosaic variegated aneuploidy syndrome 1 (MVA1). Also called: Warburton-Anyane-Yeboa syndrome. Identifiers: Orphanet 1052, MedGen C1850343, MONDO:0009759, OMIM 257300.

Allele frequency attached by ClinVar (database versions not stated): ExAC 0.00001; gnomAD exomes 0.00001 and 0.00002.
gnomAD v4.1: 6 of 1,613,988 alleles (0.00037%); highest among the groups gnomAD compares: Admixed American, 0.0033%; no homozygotes.

Submission:

Labcorp Genetics (formerly Invitae), Labcorp
Classification: Uncertain significance for Mosaic variegated aneuploidy syndrome 1. Last evaluated: 2025-06-30. Review status: criteria provided, single submitter. Criteria: Invitae Variant Classification Sherloc (09022015). Collection method: clinical testing. Allele origin: germline.
Comment: This sequence change replaces serine, which is neutral and polar, with tyrosine, which is neutral and polar, at codon 191 of the BUB1B protein (p.Ser191Tyr). This variant is present in population databases (rs587778145, gnomAD 0.007%). This variant has not been reported in the literature in individuals affected with BUB1B-related conditions. ClinVar contains an entry for this variant (Variation ID: 1018650). An algorithm developed to predict the effect of missense changes on protein structure and function (PolyPhen-2) suggests that this variant is likely to be disruptive. In summary, the available evidence is currently insufficient to determine the role of this variant in disease. Therefore, it has been classified as a Variant of Uncertain Significance.

NM_001211.6(BUB1B):c.572C>A (p.Ser191Tyr)

Gene: BUB1B (BUB1 mitotic checkpoint serine/threonine kinase B; plus strand). Cytogenetic location: 15q15.1.
Variant type: single nucleotide variant.
Coding change: c.572C>A on transcript NM_001211.6 (MANE Select); coding-DNA position 572, C replaced by A.
Protein change: p.Ser191Tyr; replaces serine 191 with tyrosine.
Molecular consequence: missense variant.
Genome position (GRCh38, 1-based): chr15:40,176,664, C>A. VCF-style: chr15-40176664-C-A. GRCh37 (hg19) VCF-style: chr15-40468865-C-A.
Other names: short protein forms S191Y.
Identifiers: ClinVar variation 1018650 (VCV001018650.10), dbSNP rs587778145, ClinGen allele CA7475504.